The following is an entry in ClinVar:

ClinVar aggregate classification (germline): Pathogenic (1 of 4 stars; one submission).

Conditions:
Hereditary cancer-predisposing syndrome. Also called: Neoplastic Syndromes, Hereditary; Tumor predisposition; Hereditary Cancer Syndrome; Hereditary neoplastic syndrome. Identifiers: Orphanet 140162, MedGen C0027672, MeSH D009386, MONDO:0015356.

Submission:

Ambry Genetics
Classification: Pathogenic for Hereditary cancer-predisposing syndrome. Last evaluated: 2021-01-15. Review status: criteria provided, single submitter. Criteria: Ambry Variant Classification Scheme 2023. Collection method: clinical testing. Allele origin: germline.
Comment: The p.E221* pathogenic mutation (also known as c.661G>T), located in coding exon 4 of the MSH6 gene, results from a G to T substitution at nucleotide position 661. This changes the amino acid from a glutamic acid to a stop codon within coding exon 4. This alteration is expected to result in loss of function by premature protein truncation or nonsense-mediated mRNA decay. As such, this alteration is interpreted as a disease-causing mutation.

NM_000179.3(MSH6):c.661G>T (p.Glu221Ter)

Gene: MSH6 (mutS homolog 6; plus strand). Cytogenetic location: 2p16.3.
Variant type: single nucleotide variant.
Coding change: c.661G>T on transcript NM_000179.3 (MANE Select); coding-DNA position 661, G replaced by T.
Protein change: p.Glu221Ter; replaces glutamic acid 221 with a stop codon.
Molecular consequence: nonsense. On other transcripts: 5 prime UTR variant (2).
Genome position (GRCh38, 1-based): chr2:47,798,644, G>T. VCF-style: chr2-47798644-G-T. GRCh37 (hg19) VCF-style: chr2-48025783-G-T.
Other names: c.271G>T, p.Glu91Ter (NM_001281492.2); c.-246G>T (NM_001281493.2, NM_001281494.2, NM_001406811.1 and 6 more transcripts); c.757G>T, p.Glu253Ter (NM_001406795.1, NM_001406802.1); c.661G>T, p.Glu221Ter (NM_001406796.1, NM_001406798.1, NM_001406800.1 and 4 more transcripts); c.364G>T, p.Glu122Ter (NM_001406797.1, NM_001406801.1, NM_001406805.1 and 10 more transcripts); c.136G>T, p.Glu46Ter (NM_001406799.1, NM_001406806.1, NM_001406807.1); c.583G>T, p.Glu195Ter (NM_001406804.1); c.667G>T, p.Glu223Ter (NM_001406813.1); and 1 more; short protein forms E253*, E46*, E91*, E221*, E223*, E122*, E165*, E195*.
Identifiers: ClinVar variation 1754522 (VCV001754522.2), dbSNP rs757817018, ClinGen allele CA346739362.